The following is an entry in ClinVar:

ClinVar aggregate classification (germline): Uncertain significance (1 of 4 stars; one submission).

Allele frequency attached by ClinVar (database versions not stated): ExAC 0.00001; gnomAD 0.00001; gnomAD exomes 0.00001; TOPMed 0.00001.
gnomAD v4.1: 10 of 1,613,880 alleles (0.00062%); highest among the groups gnomAD compares: Admixed American, 0.013%; no homozygotes.

Submission:

Labcorp Genetics (formerly Invitae), Labcorp
Classification: Uncertain significance. Last evaluated: 2022-08-24. Review status: criteria provided, single submitter. Criteria: Invitae Variant Classification Sherloc (09022015). Collection method: clinical testing. Allele origin: germline.
Comment: This sequence change replaces aspartic acid, which is acidic and polar, with asparagine, which is neutral and polar, at codon 81 of the IKZF1 protein (p.Asp81Asn). The frequency data for this variant in the population databases is considered unreliable, as metrics indicate poor data quality at this position in the gnomAD database. This missense change has been observed in individual(s) with pediatric acute lymphoblastic leukemia (PMID: 29681510). Algorithms developed to predict the effect of variants on protein structure and function are not available or were not evaluated for this variant. Experimental studies have shown that this missense change affects IKZF1 function (PMID: 29681510). In summary, the available evidence is currently insufficient to determine the role of this variant in disease. Therefore, it has been classified as a Variant of Uncertain Significance.

Literature cited by the submitters: PubMed 29681510.

NM_006060.6(IKZF1):c.241G>A (p.Asp81Asn)

Gene: IKZF1 (IKAROS family zinc finger 1; plus strand). Cytogenetic location: 7p12.2.
Variant type: single nucleotide variant.
Coding change: c.241G>A on transcript NM_006060.6 (MANE Select); coding-DNA position 241, G replaced by A.
Protein change: p.Asp81Asn; replaces aspartic acid 81 with asparagine.
Molecular consequence: missense variant. On other transcripts: intron variant (9).
Genome position (GRCh38, 1-based): chr7:50,376,613, G>A. VCF-style: chr7-50376613-G-A. GRCh37 (hg19) VCF-style: chr7-50444311-G-A.
Other names: c.241G>A, p.Asp81Asn (NM_001220765.3, NM_001220768.2, NM_001220771.2 and 1 more transcripts); c.301G>A, p.Asp101Asn (NM_001410879.1); c.161-5927G>A (NM_001291839.2, NM_001291838.2, NM_001220767.2 and 1 more transcripts); c.161-10732G>A (NM_001291841.1, NM_001291842.1); c.161-15116G>A (NM_001291843.1, NM_001291844.1); c.161-23305G>A (NM_001291840.1); short protein forms D81N, D101N.
Identifiers: ClinVar variation 2152029 (VCV002152029.4), dbSNP rs778251001, ClinGen allele CA4261265.